The following is an entry in ClinVar:

ClinVar aggregate classification (germline): Uncertain significance (1 of 4 stars; one submission).

gnomAD v4.1: 1 of 1,612,850 alleles (0.000062%); no homozygotes.

Submission:

GeneDx
Classification: Uncertain significance. Last evaluated: 2025-02-05. Review status: criteria provided, single submitter. Criteria: GeneDx Variant Classification Process June 2021. Collection method: clinical testing. Allele origin: germline. Affected: yes.
Comment: Not observed at significant frequency in large population cohorts (gnomAD); In silico analysis supports that this missense variant has a deleterious effect on protein structure/function; Has not been previously published as pathogenic or benign to our knowledge

NM_032108.4(SEMA6B):c.833T>A (p.Leu278Gln)

Gene: SEMA6B (semaphorin 6B; minus strand). Cytogenetic location: 19p13.3.
Variant type: single nucleotide variant.
Coding change: c.833T>A on transcript NM_032108.4 (MANE Select); coding-DNA position 833, T replaced by A.
Protein change: p.Leu278Gln; replaces leucine 278 with glutamine.
Molecular consequence: missense variant.
Genome position (GRCh38, 1-based): chr19:4,552,578, A>T on the plus strand (T>A on the coding strand, the complement: SEMA6B is on the minus strand). VCF-style: chr19-4552578-A-T. GRCh37 (hg19) VCF-style: chr19-4552590-A-T.
Other names: short protein forms L278Q.
Identifiers: ClinVar variation 4074607 (VCV004074607.1).